The following is an entry in ClinVar:

NM_002693.3(POLG):c.1796C>T (p.Thr599Ile)

Gene: POLG (DNA polymerase gamma, catalytic subunit; minus strand). Cytogenetic location: 15q26.1.
Variant type: single nucleotide variant.
Coding change: c.1796C>T on transcript NM_002693.3 (MANE Select); coding-DNA position 1796, C replaced by T.
Protein change: p.Thr599Ile; replaces threonine 599 with isoleucine.
Molecular consequence: missense variant.
Genome position (GRCh38, 1-based): chr15:89,325,603, G>A on the plus strand (C>T on the coding strand, the complement: POLG is on the minus strand). VCF-style: chr15-89325603-G-A. GRCh37 (hg19) VCF-style: chr15-89868834-G-A.
Other names: c.1796C>T, p.Thr599Ile (NM_001126131.2); short protein forms T599I.
Identifiers: ClinVar variation 2763337 (VCV002763337.3), dbSNP rs2509249045, ClinGen allele CA393759347.

ClinVar aggregate classification (germline): Pathogenic (1 of 4 stars; one submission).

Conditions:
Progressive sclerosing poliodystrophy (MTDPS4A). Also called: ALPERS PROGRESSIVE INFANTILE POLIODYSTROPHY; NEURONAL DEGENERATION OF CHILDHOOD WITH LIVER DISEASE, PROGRESSIVE; Alpers Syndrome; ALPERS DIFFUSE DEGENERATION OF CEREBRAL GRAY MATTER WITH HEPATIC CIRRHOSIS; Alpers-Huttenlocher Syndrome; Mitochondrial DNA depletion syndrome 4A (Alpers type). Identifiers: Orphanet 726, MedGen C0205710, MONDO:0008758, OMIM 203700.

Submission:

Labcorp Genetics (formerly Invitae), Labcorp
Classification: Pathogenic for Progressive sclerosing poliodystrophy. Last evaluated: 2023-09-25. Review status: criteria provided, single submitter. Criteria: Invitae Variant Classification Sherloc (09022015). Collection method: clinical testing. Allele origin: germline.
Comment: This sequence change replaces threonine, which is neutral and polar, with isoleucine, which is neutral and non-polar, at codon 599 of the POLG protein (p.Thr599Ile). This variant is not present in population databases (gnomAD no frequency). This missense change has been observed in individual(s) with progressive external ophthalmoplegia (PMID: 34189666). In at least one individual the data is consistent with being in trans (on the opposite chromosome) from a pathogenic variant. Advanced modeling of protein sequence and biophysical properties (such as structural, functional, and spatial information, amino acid conservation, physicochemical variation, residue mobility, and thermodynamic stability) performed at Invitae indicates that this missense variant is expected to disrupt POLG protein function. This variant disrupts the p.Thr599 amino acid residue in POLG. Other variant(s) that disrupt this residue have been determined to be pathogenic (PMID: 29644085). This suggests that this residue is clinically significant, and that variants that disrupt this residue are likely to be disease-causing. For these reasons, this variant has been classified as Pathogenic.

Literature cited by the submitters: PubMed 34189666; PubMed 29644085.